The following is an entry in ClinVar:

NM_001386140.1(MTTP):c.2043G>T (p.Glu681Asp)

Gene: MTTP (microsomal triglyceride transfer protein; plus strand). Cytogenetic location: 4q23.
Variant type: single nucleotide variant.
Coding change: c.2043G>T on transcript NM_001386140.1 (MANE Select); coding-DNA position 2043, G replaced by T.
Protein change: p.Glu681Asp; replaces glutamic acid 681 with aspartic acid.
Molecular consequence: missense variant.
Genome position (GRCh38, 1-based): chr4:99,612,966, G>T. VCF-style: chr4-99612966-G-T. GRCh37 (hg19) VCF-style: chr4-100534123-G-T.
Other names: c.2043G>T, p.Glu681Asp (NM_000253.4); c.1794G>T, p.Glu598Asp (NM_001300785.2); short protein forms E598D, E681D.
Identifiers: ClinVar variation 1505276 (VCV001505276.6), dbSNP rs145444300, ClinGen allele CA102644743.

ClinVar aggregate classification (germline): Uncertain significance. Review status: criteria provided, multiple submitters, no conflicts (2 of 4 stars). 2 submissions from 2 submitters: Uncertain significance (2). Last evaluated 2024-12-16.

gnomAD v4.1: 2 of 1,614,060 alleles (0.00012%); highest among the groups gnomAD compares: Admixed American, 0.0033%; no homozygotes.

Submissions (2):

Labcorp Genetics (formerly Invitae), Labcorp
Classification: Uncertain significance. Last evaluated: 2024-12-16. Review status: criteria provided, single submitter. Criteria: Invitae Variant Classification Sherloc (09022015). Collection method: clinical testing. Allele origin: germline.
Comment: This sequence change replaces glutamic acid, which is acidic and polar, with aspartic acid, which is acidic and polar, at codon 681 of the MTTP protein (p.Glu681Asp). This variant is present in population databases (no rsID available, gnomAD 0.003%). This variant has not been reported in the literature in individuals affected with MTTP-related conditions. ClinVar contains an entry for this variant (Variation ID: 1505276). Invitae Evidence Modeling of protein sequence and biophysical properties (such as structural, functional, and spatial information, amino acid conservation, physicochemical variation, residue mobility, and thermodynamic stability) indicates that this missense variant is not expected to disrupt MTTP protein function with a negative predictive value of 80%. In summary, the available evidence is currently insufficient to determine the role of this variant in disease. Therefore, it has been classified as a Variant of Uncertain Significance.

Breakthrough Genomics
Classification: Uncertain significance. Review status: criteria provided, single submitter. Criteria: ACMG Guidelines, 2015. Collection method: not provided. Allele origin: germline. Inheritance: Autosomal recessive inheritance. Affected: yes.